The following is an entry in ClinVar:

NM_007294.4(BRCA1):c.1397_1406del (p.Arg466fs)

Gene: BRCA1 (BRCA1 DNA repair associated; minus strand). Cytogenetic location: 17q21.31.
Variant type: Deletion.
Coding change: c.1397_1406del on transcript NM_007294.4 (MANE Select); coding-DNA positions 1397 to 1406, 10 bases deleted (GGAAGAAGGC; older notation c.1397_1406delGGAAGAAGGC).
Protein change: p.Arg466fs; shifts the reading frame from arginine 466.
Molecular consequence: frameshift variant. On other transcripts: intron variant (137).
Genome position (GRCh38, 1-based): chr17:43,094,125-43,094,134, GCCTTCTTCC deleted on the plus strand (GGAAGAAGGC on the coding strand, the reverse complement: BRCA1 is on the minus strand); deleting any 10 consecutive bases within chr17:43,094,125-43,094,135 gives the same sequence; the c. name uses the placement nearest the transcript's 3' end. VCF-style (leftmost placement, unchanged base first): chr17-43094124-TGCCTTCTTCC-T. GRCh37 (hg19) VCF-style: chr17-41246141-TGCCTTCTTCC-T.
Other names: NM_007294.4: c.1397_1406del.; c.1271_1280del, p.Arg424fs (NM_001407672.1, NM_001407673.1, NM_001407685.1 and 11 more transcripts); c.1274_1283del, p.Arg425fs (NM_001407674.1, NM_001407675.1, NM_001407676.1 and 19 more transcripts); c.1397_1406del, p.Arg466fs (NM_001407684.1, NM_007300.4, NM_001407605.1 and 30 more transcripts); c.1256_1265del, p.Arg419fs (NM_007297.4, NM_001407692.1, NM_001407694.1 and 29 more transcripts); c.646+610_646+619del (NM_001408458.1, NM_001408469.1, NM_001408453.1 and 11 more transcripts); c.283+610_283+619del (NM_001408512.1); c.406+610_406+619del (NM_001408510.1); and 41 more; short protein forms R170fs, R298fs, R338fs, R339fs, R354fs, R355fs, R377fs, R378fs.
Identifiers: ClinVar variation 4849514 (VCV004849514.1).
Genomic context (GRCh38, chr17:43,094,124, plus strand): 5'-CTCAGTAACAAATGCTCCTATAATTAGATTTTCAGTTACATGGCTTAAGTTGGGGAGGCT[TGCCTTCTTCC>T]GATAGGTTTTCCCAAATATTTTGTCTTCAATATTACTCTCTACTGATTTGGAGTGAACTC-3'

ClinVar aggregate classification (oncogenicity): Likely oncogenic (0 of 4 stars; one submission).

Conditions:
Ovarian cancer. Also called: OVARIAN CANCER, SOMATIC. Identifiers: Orphanet 213500, MedGen C1140680, MONDO:0008170, OMIM 167000.

Submission:

Centre de Biotechnologie de Sfax, Université de Sfax
Classification: Likely oncogenic for Ovarian cancer. Review status: no assertion criteria provided. Collection method: clinical testing. Allele origin: somatic. Affected: yes.
Comment: The variant BRCA1:NM_007297.4 | ENST00000493795.1 Exon 9 | c.1256_1265del | p.Arg419Glnfs*6 is classified as pathogenic/Likely pathogenic. Our classification of this variant is supported by the following tumor-specific considerations: -Its occurrence in tumor-only material supports a somatic origin, consistent with a role in tumor development. -The variant is a predicted loss-of-function alteration in a gene where loss of function is a well-established mechanism of tumorigenesis. -This variant leads to a truncated BRCA1 protein that lost functional domains such as the BRCT and Coiled -coil domains -The variant is absent from population databases, supporting its non-polymorphic nature. -To date, this variant has not been described in major databases (e.g., COSMIC, ClinVar, BIC) and was not reported in the scientific literature (PubMed).